The following is an entry in ClinVar:

ClinVar aggregate classification (germline): Uncertain significance (1 of 4 stars; one submission).

Allele frequency attached by ClinVar (database versions not stated): gnomAD exomes below 0.00001 and 0.00001; ExAC 0.00002.
gnomAD v4.1: 2 of 1,614,180 alleles (0.00012%); highest among the groups gnomAD compares: Admixed American, 0.0033%; no homozygotes.

Submission:

Labcorp Genetics (formerly Invitae), Labcorp
Classification: Uncertain significance. Last evaluated: 2022-07-26. Review status: criteria provided, single submitter. Criteria: Invitae Variant Classification Sherloc (09022015). Collection method: clinical testing. Allele origin: germline.
Comment: In summary, the available evidence is currently insufficient to determine the role of this variant in disease. Therefore, it has been classified as a Variant of Uncertain Significance. Algorithms developed to predict the effect of missense changes on protein structure and function are either unavailable or do not agree on the potential impact of this missense change (SIFT: "Not Available"; PolyPhen-2: "Probably Damaging"; Align-GVGD: "Not Available"). ClinVar contains an entry for this variant (Variation ID: 964386). This variant has not been reported in the literature in individuals affected with CEP250-related conditions. This variant is present in population databases (rs750545272, gnomAD 0.006%). This sequence change replaces glutamine, which is neutral and polar, with leucine, which is neutral and non-polar, at codon 265 of the CEP250 protein (p.Gln265Leu).

NM_007186.6(CEP250):c.794A>T (p.Gln265Leu)

Gene: CEP250 (centrosomal protein 250; plus strand). Cytogenetic location: 20q11.22.
Variant type: single nucleotide variant.
Coding change: c.794A>T on transcript NM_007186.6 (MANE Select); coding-DNA position 794, A replaced by T.
Protein change: p.Gln265Leu; replaces glutamine 265 with leucine.
Molecular consequence: missense variant. On other transcripts: 5 prime UTR variant (1).
Genome position (GRCh38, 1-based): chr20:35,467,498, A>T. VCF-style: chr20-35467498-A-T. GRCh37 (hg19) VCF-style: chr20-34055323-A-T.
Other names: c.-1106A>T (NM_001318219.1); short protein forms Q265L.
Identifiers: ClinVar variation 964386 (VCV000964386.7), dbSNP rs750545272, ClinGen allele CA9832705.